The following is an entry in ClinVar:

ClinVar aggregate classification (germline): Benign. Review status: criteria provided, single submitter (1 of 4 stars). 2 submissions from 2 submitters: Benign (1). 1 of the submissions does not count toward it. Last evaluated 2025-08-18.

Conditions:
MSX2-related disorder. Also called: MSX2-related condition.
Cranium bifidum occultum. Also called: Enlarged Parietal Foramina; CATLIN MARKS; CRANIUM BIFIDUM, HEREDITARY. Identifiers: MedGen C1868598, HP:0004423.

Allele frequency attached by ClinVar (database versions not stated): ESP Exome Variant Server 0.00008; ExAC 0.00010.

Submissions (2):

Labcorp Genetics (formerly Invitae), Labcorp
Classification: Benign for Cranium bifidum occultum. Last evaluated: 2025-08-18. Review status: criteria provided, single submitter. Criteria: Invitae Variant Classification Sherloc (09022015). Collection method: clinical testing. Allele origin: germline.

PreventionGenetics, part of Exact Sciences
Classification: Likely benign for MSX2-related condition. Last evaluated: 2024-03-19. Review status: no assertion criteria provided. Collection method: clinical testing. Allele origin: germline. Not counted in ClinVar's aggregate classification.
Comment: This variant is classified as likely benign based on ACMG/AMP sequence variant interpretation guidelines (Richards et al. 2015 PMID: 25741868, with internal and published modifications).

NM_002449.5(MSX2):c.444C>T (p.Pro148=)

Gene: MSX2 (msh homeobox 2; plus strand). Cytogenetic location: 5q35.2.
Variant type: single nucleotide variant.
Coding change: c.444C>T on transcript NM_002449.5 (MANE Select); coding-DNA position 444, C replaced by T.
Protein change: p.Pro148=; no amino-acid change (proline 148 retained).
Molecular consequence: synonymous variant. On other transcripts: 3 prime UTR variant (1).
Genome position (GRCh38, 1-based): chr5:174,729,223, C>T. VCF-style: chr5-174729223-C-T. GRCh37 (hg19) VCF-style: chr5-174156226-C-T.
Other names: c.*68C>T (NM_001363626.2); c.444C>T (NM_002449.4).
Identifiers: ClinVar variation 3007245 (VCV003007245.4), dbSNP rs200762790, ClinGen allele CA3565209.
Genomic context (GRCh38, chr5:174,729,223, plus strand): 5'-TATGAGCCCTACCACCTGCACCCTGAGGAAACACAAGACCAATCGGAAGCCGCGCACGCC[C>T]TTTACCACATCCCAGCTCCTCGCCCTGGAGCGCAAGTTCCGTCAGAAACAGTACCTCTCC-3'
Protein context (NP_002440.2, residues 138-158): KHKTNRKPRT[Pro148=]FTTSQLLALE